The following is an entry in ClinVar:

NM_001128.6(AP1G1):c.1130A>C (p.Asn377Thr)

Gene: AP1G1 (adaptor related protein complex 1 subunit gamma 1; minus strand). Cytogenetic location: 16q22.2.
Variant type: single nucleotide variant.
Coding change: c.1130A>C on transcript NM_001128.6 (MANE Select); coding-DNA position 1130, A replaced by C.
Protein change: p.Asn377Thr; replaces asparagine 377 with threonine.
Molecular consequence: missense variant.
Genome position (GRCh38, 1-based): chr16:71,756,118, T>G on the plus strand (A>C on the coding strand, the complement: AP1G1 is on the minus strand). VCF-style: chr16-71756118-T-G. GRCh37 (hg19) VCF-style: chr16-71790021-T-G.
Other names: c.1139A>C, p.Asn380Thr (NM_001030007.2); short protein forms N377T, N380T.
Identifiers: ClinVar variation 4538938 (VCV004538938.1).

ClinVar aggregate classification (germline): Uncertain significance (1 of 4 stars; one submission).

Submission:

GeneDx
Classification: Uncertain significance. Last evaluated: 2025-06-18. Review status: criteria provided, single submitter. Criteria: GeneDx Variant Classification Process June 2021. Collection method: clinical testing. Allele origin: germline. Affected: yes.
Comment: Not observed at significant frequency in large population cohorts (gnomAD); In silico analysis supports that this missense variant has a deleterious effect on protein structure/function; Has not been previously published as pathogenic or benign to our knowledge